The following is an entry in ClinVar:

NM_014263.4(YME1L1):c.2060A>G (p.Lys687Arg)

Gene: YME1L1 (YME1 like 1 ATPase; minus strand). Cytogenetic location: 10p12.1.
Variant type: single nucleotide variant.
Coding change: c.2060A>G on transcript NM_014263.4 (MANE Select); coding-DNA position 2060, A replaced by G.
Protein change: p.Lys687Arg; replaces lysine 687 with arginine.
Molecular consequence: missense variant.
Genome position (GRCh38, 1-based): chr10:27,112,068, T>C on the plus strand (A>G on the coding strand, the complement: YME1L1 is on the minus strand). VCF-style: chr10-27112068-T-C. GRCh37 (hg19) VCF-style: chr10-27400997-T-C.
Other names: c.1961A>G, p.Lys654Arg (NM_001253866.2); c.2231A>G, p.Lys744Arg (NM_139312.3); short protein forms K687R, K654R, K744R.
Identifiers: ClinVar variation 1031258 (VCV001031258.1), dbSNP rs758233530, ClinGen allele CA5449153.
Genomic context (GRCh38, chr10:27,112,068, plus strand): 5'-ACAATTTGAATCTCTTTGGCATCCAAAGTCTCATAGGTCAATAAAGCTTCTGCGAGATTC[T>C]TATGCTCCTTTGCATGAGTTTTCAAGATATGTTTTGCTCGTTCATATGAGTCCTGAAACA-3'
Protein context (NP_055078.1, residues 677-697): HILKTHAKEH[Lys687Arg]NLAEALLTYE

ClinVar aggregate classification (germline): Uncertain significance (1 of 4 stars; one submission).

Conditions:
Optic atrophy 11 (OPA11). Identifiers: MedGen C4310628, MONDO:0015011, OMIM 617302.

Allele frequency attached by ClinVar (database versions not stated): ExAC 0.00001.
gnomAD v4.1: 1 of 1,614,104 alleles (0.000062%); highest among the groups gnomAD compares: Admixed American, 0.0017%; no homozygotes.

Submission:

Baylor Genetics
Classification: Uncertain significance for Optic atrophy 11. Last evaluated: 2020-08-01. Review status: criteria provided, single submitter. Criteria: ACMG Guidelines, 2015. Collection method: clinical testing. Allele origin: unknown. Affected: yes.
Comment: This variant was determined to be of uncertain significance according to ACMG Guidelines, 2015 [PMID:25741868].